The following is an entry in ClinVar:

ClinVar aggregate classification (germline): Uncertain significance (1 of 4 stars; one submission).

Allele frequency attached by ClinVar (database versions not stated): gnomAD exomes below 0.00001 and 0.00001; TOPMed below 0.00001.
gnomAD v4.1: 4 of 1,613,934 alleles (0.00025%); highest among the groups gnomAD compares: Non-Finnish European, 0.00034%; no homozygotes.

Submission:

Labcorp Genetics (formerly Invitae), Labcorp
Classification: Uncertain significance. Last evaluated: 2021-08-24. Review status: criteria provided, single submitter. Criteria: Invitae Variant Classification Sherloc (09022015). Collection method: clinical testing. Allele origin: germline.
Comment: This sequence change replaces asparagine with lysine at codon 380 of the GTPBP3 protein (p.Asn380Lys). The asparagine residue is weakly conserved and there is a moderate physicochemical difference between asparagine and lysine. This variant is not present in population databases (ExAC no frequency). In summary, the available evidence is currently insufficient to determine the role of this variant in disease. Therefore, it has been classified as a Variant of Uncertain Significance. Algorithms developed to predict the effect of missense changes on protein structure and function (SIFT, PolyPhen-2, Align-GVGD) all suggest that this variant is likely to be tolerated. This variant has not been reported in the literature in individuals affected with GTPBP3-related conditions.

NM_032620.4(GTPBP3):c.1044C>A (p.Asn348Lys)

Gene: GTPBP3 (GTP binding protein 3, mitochondrial; plus strand). Cytogenetic location: 19p13.11.
Variant type: single nucleotide variant.
Coding change: c.1044C>A on transcript NM_032620.4 (MANE Select); coding-DNA position 1044, C replaced by A.
Protein change: p.Asn348Lys; replaces asparagine 348 with lysine.
Molecular consequence: missense variant.
Genome position (GRCh38, 1-based): chr19:17,341,113, C>A. VCF-style: chr19-17341113-C-A. GRCh37 (hg19) VCF-style: chr19-17451922-C-A.
Other names: c.981C>A, p.Asn327Lys (NM_001128855.3); c.1110C>A, p.Asn370Lys (NM_001195422.1); c.1140C>A, p.Asn380Lys (NM_133644.4); short protein forms N348K, N327K, N370K, N380K.
Identifiers: ClinVar variation 1434912 (VCV001434912.6), dbSNP rs1467370720, ClinGen allele CA404738684.